The following is an entry in ClinVar:

NM_014191.4(SCN8A):c.630T>C (p.Phe210=)

Gene: SCN8A (sodium voltage-gated channel alpha subunit 8; plus strand). Cytogenetic location: 12q13.13.
Variant type: single nucleotide variant.
Coding change: c.630T>C on transcript NM_014191.4 (MANE Plus Clinical); coding-DNA position 630, T replaced by C.
Protein change: p.Phe210=; no amino-acid change (phenylalanine 210 retained).
Molecular consequence: synonymous variant. On other transcripts: intron variant (2).
Genome position (GRCh38, 1-based): chr12:51,688,773, T>C. VCF-style: chr12-51688773-T-C. GRCh37 (hg19) VCF-style: chr12-52082557-T-C.
Other names: c.630T>C, p.Phe210= (NM_001177984.3); c.615-232T>C (NM_001330260.2, NM_001369788.1).
Identifiers: ClinVar variation 1153326 (VCV001153326.11), dbSNP rs2138716083, ClinGen allele CA480022342.

ClinVar aggregate classification (germline): Conflicting classifications of pathogenicity. Review status: criteria provided, conflicting classifications (1 of 4 stars). 2 submissions from 2 submitters: Uncertain significance (1); Likely benign (1). Last evaluated 2022-05-17.

Conditions:
Early-infantile DEE. Also called: Ohtahara syndrome; Early infantile epileptic encephalopathy with suppression bursts; Early infantile epileptic encephalopathy. Identifiers: Orphanet 1934, MedGen C0393706, MONDO:0800491.

gnomAD v4.1: 1 of 1,613,840 alleles (0.000062%); highest among the groups gnomAD compares: Non-Finnish European, 0.000085%; no homozygotes.

Submissions (2):

GeneDx
Classification: Uncertain significance. Last evaluated: 2022-05-17. Review status: criteria provided, single submitter. Criteria: GeneDx Variant Classification Process June 2021. Collection method: clinical testing. Allele origin: germline. Affected: yes.
Comment: Not observed at significant frequency in large population cohorts (gnomAD); In silico analysis supports that this variant does not alter splicing; Has not been previously published as pathogenic or benign to our knowledge

Labcorp Genetics (formerly Invitae), Labcorp
Classification: Likely benign for Early-infantile DEE. Last evaluated: 2020-02-01. Review status: criteria provided, single submitter. Criteria: Invitae Variant Classification Sherloc (09022015). Collection method: clinical testing. Allele origin: germline.